The following is an entry in ClinVar:

NM_001356.5(DDX3X):c.1252_1255del (p.Gln417_Lys418insTer)

Gene: DDX3X (DEAD-box helicase 3 X-linked; plus strand). Cytogenetic location: Xp11.4.
Variant type: Deletion.
Coding change: c.1252_1255del on transcript NM_001356.5 (MANE Select); coding-DNA positions 1252 to 1255, 4 bases deleted (AAAG; older notation c.1252_1255delAAAG).
Protein change: p.Gln417_Lys418insTer.
Molecular consequence: nonsense. On other transcripts: non-coding transcript variant (1).
Genome position (GRCh38, 1-based): chrX:41,345,485-41,345,488, AAAG deleted; deleting any 4 consecutive bases within chrX:41,345,483-41,345,488 gives the same sequence; the c. name uses the placement nearest the transcript's 3' end. VCF-style (leftmost placement, unchanged base first): chrX-41345482-CAGAA-C. GRCh37 (hg19) VCF-style: chrX-41204735-CAGAA-C.
Other names: c.1252_1255del, p.Gln417_Lys418insTer (NM_001193416.3); c.1204_1207del, p.Gln401_Lys402insTer (NM_001193417.3); c.694_697del, p.Gln231_Lys232insTer (NM_001363819.1); c.1250_1253delAGAA (NM_001356.5).
Identifiers: ClinVar variation 1254780 (VCV001254780.3), dbSNP rs2147356685, ClinGen allele CA2499226720.
Genomic context (GRCh38, chrX:41,345,482, plus strand): 5'-TTAGATGAATATATCTTCTTGGCTGTAGGAAGAGTTGGCTCTACCTCTGAAAACATCACA[CAGAA>C]AGTAGTTTGGGTGGAAGAATCAGACAAACGGTCATTTCTGCTTGACCTCCTAAATGCAAC-3'

ClinVar aggregate classification (germline): Pathogenic. Review status: criteria provided, single submitter (1 of 4 stars). 2 submissions from 2 submitters: Pathogenic (1). 1 of the submissions does not count toward it. Last evaluated 2021-07-28.

Conditions:
EBV-positive nodal T- and NK-cell lymphoma.

Submissions (2):

GeneDx
Classification: Pathogenic. Last evaluated: 2021-07-28. Review status: criteria provided, single submitter. Criteria: GeneDx Variant Classification Process June 2021. Collection method: clinical testing. Allele origin: germline. Affected: yes.
Comment: Nonsense variant predicted to result in protein truncation or nonsense mediated decay in a gene for which loss-of-function is a known mechanism of disease; Not observed at significant frequency in large population cohorts (Lek et al., 2016); Has not been previously published as pathogenic or benign to our knowledge

Department of Clinical Pathology, School of Medicine, Fujita Health University
Classification: Pathogenic for EBV-positive nodal T- and NK-cell lymphoma. Review status: no assertion criteria provided. Collection method: research. Allele origin: unknown. Affected: yes. Not counted in ClinVar's aggregate classification.